The following is an entry in ClinVar:

NM_000166.6(GJB1):c.260C>T (p.Pro87Leu)

Gene: GJB1 (gap junction protein beta 1; plus strand). Cytogenetic location: Xq13.1.
Variant type: single nucleotide variant.
Coding change: c.260C>T on transcript NM_000166.6 (MANE Select); coding-DNA position 260, C replaced by T.
Protein change: p.Pro87Leu; replaces proline 87 with leucine.
Molecular consequence: missense variant.
Genome position (GRCh38, 1-based): chrX:71,223,967, C>T. VCF-style: chrX-71223967-C-T. GRCh37 (hg19) VCF-style: chrX-70443817-C-T.
Other names: c.260C>T, p.Pro87Leu (NM_001097642.3); short protein forms P87L.
Identifiers: ClinVar variation 637139 (VCV000637139.6), dbSNP rs1602349021, ClinGen allele CA413501690.

ClinVar aggregate classification (germline): Pathogenic. Review status: criteria provided, single submitter (1 of 4 stars). 2 submissions from 2 submitters: Pathogenic (1). 1 of the submissions does not count toward it. Last evaluated 2026-07-22.

Conditions:
Charcot-Marie-Tooth disease. Also called: Charcot-Marie-Tooth Hereditary Neuropathy; Charcot-Marie-Tooth Neuropathy. Identifiers: Orphanet 166, MedGen C0007959, MONDO:0015626.

Submissions (2):

GeneDx
Classification: Pathogenic. Last evaluated: 2026-07-22. Review status: criteria provided, single submitter. Criteria: GeneDx Variant Classification Process June 2021. Collection method: clinical testing. Allele origin: germline.
Comment: Missense variants in this gene are a common cause of disease and they are underrepresented in the general population; Not observed at significant frequency in large population cohorts (gnomAD); In silico analysis supports that this missense variant has a deleterious effect on protein structure/function; This variant is associated with the following publications: (PMID: 9361298, 11271367, 12614935)

Inherited Neuropathy Consortium
Classification: Uncertain significance for Charcot-Marie-Tooth disease. Review status: no assertion criteria provided. Collection method: literature only. Allele origin: germline. Affected: yes. Not counted in ClinVar's aggregate classification.

Literature cited by the submitters: PubMed 12614935 (cited by Inherited Neuropathy Consortium).